The following is an entry in ClinVar:

ClinVar aggregate classification (germline): Pathogenic (1 of 4 stars; one submission).

Submission:

ISCA Site 6
Classification: Pathogenic. Last evaluated: 2011-08-12. Review status: criteria provided, single submitter. Criteria: Kaminsky et al. (Genet Med. 2011). Collection method: clinical testing. Allele origin: unknown. Affected: yes. Observed: 1 variant allele.
Comment: Copy number variation identified through the course of routine clinical cytogenomic testing in postnatal populations. Clinical assertions have been curated as described in Kaminsky et al. 2011.

GRCh38/hg38 3q29(chr3:196035777-197625573)x1

Genes: BDH1 (3-hydroxybutyrate dehydrogenase 1), CEP19 (centrosomal protein 19; minus strand), DLG1 (discs large MAGUK scaffold protein 1; minus strand), DLG1-AS1 (DLG1 antisense RNA 1; plus strand), DYNLT2B (dynein light chain Tctex-type 2B; minus strand) and 104 more. Cytogenetic location: 3q29.
Variant type: copy number loss.
Change: copy number 1 (one copy instead of two) of chr3:196,035,777-197,625,573 (1.59 Mb, GRCh38 coordinates, 1-based), cytogenetic band 3q29.
Identifiers: ClinVar variation 59289 (VCV000059289.2).